The following is an entry in ClinVar:

ClinVar aggregate classification (germline): Uncertain significance (1 of 4 stars; one submission).

Allele frequency attached by ClinVar (database versions not stated): ExAC 0.00001.
gnomAD v4.1: 24 of 1,613,694 alleles (0.0015%); highest among the groups gnomAD compares: African/African-American, 0.012%; no homozygotes.

Submission:

Labcorp Genetics (formerly Invitae), Labcorp
Classification: Uncertain significance. Last evaluated: 2024-09-05. Review status: criteria provided, single submitter. Criteria: Invitae Variant Classification Sherloc (09022015). Collection method: clinical testing. Allele origin: germline.
Comment: This sequence change replaces isoleucine, which is neutral and non-polar, with valine, which is neutral and non-polar, at codon 860 of the TOP2B protein (p.Ile860Val). This variant is present in population databases (rs775618314, gnomAD 0.02%). This variant has not been reported in the literature in individuals affected with TOP2B-related conditions. ClinVar contains an entry for this variant (Variation ID: 2151304). An algorithm developed to predict the effect of missense changes on protein structure and function (PolyPhen-2) suggests that this variant is likely to be disruptive. In summary, the available evidence is currently insufficient to determine the role of this variant in disease. Therefore, it has been classified as a Variant of Uncertain Significance.

NM_001330700.2(TOP2B):c.2593A>G (p.Ile865Val)

Gene: TOP2B (DNA topoisomerase II beta; minus strand). Cytogenetic location: 3p24.2.
Variant type: single nucleotide variant.
Coding change: c.2593A>G on transcript NM_001330700.2 (MANE Select); coding-DNA position 2593, A replaced by G.
Protein change: p.Ile865Val; replaces isoleucine 865 with valine.
Molecular consequence: missense variant.
Genome position (GRCh38, 1-based): chr3:25,623,649, T>C on the plus strand (A>G on the coding strand, the complement: TOP2B is on the minus strand). VCF-style: chr3-25623649-T-C. GRCh37 (hg19) VCF-style: chr3-25665140-T-C.
Other names: c.2578A>G, p.Ile860Val (NM_001068.3); short protein forms I865V, I860V.
Identifiers: ClinVar variation 2151304 (VCV002151304.3), dbSNP rs775618314, ClinGen allele CA2288460.